The following is an entry in ClinVar:

NM_000384.3(APOB):c.3712C>T (p.Leu1238Phe)

Gene: APOB (apolipoprotein B; minus strand). Cytogenetic location: 2p24.1.
Variant type: single nucleotide variant.
Coding change: c.3712C>T on transcript NM_000384.3 (MANE Select); coding-DNA position 3712, C replaced by T.
Protein change: p.Leu1238Phe; replaces leucine 1238 with phenylalanine.
Molecular consequence: missense variant.
Genome position (GRCh38, 1-based): chr2:21,014,578, G>A on the plus strand (C>T on the coding strand, the complement: APOB is on the minus strand). VCF-style: chr2-21014578-G-A. GRCh37 (hg19) VCF-style: chr2-21237450-G-A.
Other names: short protein forms L1238F.
Identifiers: ClinVar variation 3885823 (VCV003885823.2).

ClinVar aggregate classification (germline): Uncertain significance (1 of 4 stars; one submission).

Conditions:
Cardiovascular phenotype. Identifiers: MedGen CN230736.

Submission:

Ambry Genetics
Classification: Uncertain significance for Cardiovascular phenotype. Last evaluated: 2026-09-11. Review status: criteria provided, single submitter. Criteria: Ambry Variant Classification Scheme 2023. Collection method: clinical testing. Allele origin: germline.
Comment: The p.L1238F variant (also known as c.3712C>T), located in coding exon 24 of the APOB gene, results from a C to T substitution at nucleotide position 3712. The leucine at codon 1238 is replaced by phenylalanine, an amino acid with highly similar properties. This amino acid position is conserved. In addition, this alteration is predicted to be tolerated by in silico analysis. Based on the available evidence, the clinical significance of this variant remains unclear.